The following is an entry in ClinVar:

NM_001379110.1(SLC9A6):c.1460+10A>G

Gene: SLC9A6 (solute carrier family 9 member A6; plus strand). Cytogenetic location: Xq26.3.
Variant type: single nucleotide variant.
Coding change: c.1460+10A>G on transcript NM_001379110.1 (MANE Select); 10 bases into the intron after coding-DNA position 1460, A replaced by G.
Molecular consequence: intron variant.
Genome position (GRCh38, 1-based): chrX:136,024,493, A>G. VCF-style: chrX-136024493-A-G. GRCh37 (hg19) VCF-style: chrX-135106652-A-G.
Other names: c.1616+10A>G (NM_001042537.2); c.1520+10A>G (NM_006359.3); c.1460+10A>G (NM_001177651.2); c.1364+10A>G (NM_001330652.2).
Identifiers: ClinVar variation 139204 (VCV000139204.13), dbSNP rs185533973, ClinGen allele CA293617.

ClinVar aggregate classification (germline): Benign. Review status: criteria provided, multiple submitters, no conflicts (2 of 4 stars). 3 submissions from 3 submitters: Benign (3). Last evaluated 2026-02-01.

Conditions:
Christianson syndrome (MRXSCH). Also called: SLC9A6-Related Syndromic Mental Retardation; X-linked mental retardation, syndromic, Christianson type; INTELLECTUAL DEVELOPMENTAL DISORDER, X-LINKED, SYNDROMIC, CHRISTIANSON TYPE. Identifiers: Orphanet 85278, MedGen C2678194, MONDO:0010278, OMIM 300243.

Allele frequency attached by ClinVar (database versions not stated): gnomAD 0.00013 and 0.00026; TOPMed 0.00015; 1000 Genomes Project 30x 0.00021; ExAC 0.00024; 1000 Genomes Project 0.00026; gnomAD exomes 0.00028 and 0.00057.
gnomAD v4.1: 623 of 1,187,672 alleles (0.052%); highest among the groups gnomAD compares: East Asian, 1.8%; 11 homozygotes.

Submissions (3):

Labcorp Genetics (formerly Invitae), Labcorp
Classification: Benign for Christianson syndrome. Last evaluated: 2026-02-01. Review status: criteria provided, single submitter. Criteria: Invitae Variant Classification Sherloc (09022015). Collection method: clinical testing. Allele origin: germline.

ARUP Laboratories, Molecular Genetics and Genomics, ARUP Laboratories
Classification: Benign for Christianson syndrome. Last evaluated: 2024-11-14. Review status: criteria provided, single submitter. Criteria: ARUP Molecular Germline Variant Investigation Process 2024. Collection method: clinical testing. Allele origin: germline.

GeneDx
Classification: Benign. Last evaluated: 2013-11-13. Review status: criteria provided, single submitter. Criteria: GeneDx Variant Classification (06012015). Collection method: clinical testing. Allele origin: germline. Affected: yes.
Comment: This variant is considered likely benign or benign based on one or more of the following criteria: it is a conservative change, it occurs at a poorly conserved position in the protein, it is predicted to be benign by multiple in silico algorithms, and/or has population frequency not consistent with disease.